The following is an entry in ClinVar:

NM_206933.4(USH2A):c.14038C>T (p.Gln4680Ter)

Gene: USH2A (usherin; minus strand). Cytogenetic location: 1q41.
Variant type: single nucleotide variant.
Coding change: c.14038C>T on transcript NM_206933.4 (MANE Select); coding-DNA position 14038, C replaced by T.
Protein change: p.Gln4680Ter; replaces glutamine 4680 with a stop codon.
Molecular consequence: nonsense.
Genome position (GRCh38, 1-based): chr1:215,671,067, G>A on the plus strand (C>T on the coding strand, the complement: USH2A is on the minus strand). VCF-style: chr1-215671067-G-A. GRCh37 (hg19) VCF-style: chr1-215844409-G-A.
Other names: short protein forms Q4680*.
Identifiers: ClinVar variation 851480 (VCV000851480.12), dbSNP rs1657798642, ClinGen allele CA344840479.

ClinVar aggregate classification (germline): Pathogenic/Likely pathogenic. Review status: criteria provided, multiple submitters, no conflicts (2 of 4 stars). 4 submissions from 4 submitters: Pathogenic (3); Likely pathogenic (1). Last evaluated 2024-04-22.

Conditions:
USH2A-related disorder. Also called: USH2A-related disorders; USH2A-related condition. Identifiers: MedGen CN239332.
Retinitis pigmentosa 39 (RP39). Identifiers: Orphanet 791, MedGen C3151138, MONDO:0013436, OMIM 613809.
Usher syndrome type 2A. Also called: RETINAL DISEASE IN USHER SYNDROME TYPE IIA, MODIFIER OF; USHER SYNDROME, TYPE IIA. Identifiers: Orphanet 231178, Orphanet 886, MedGen C1848634, MONDO:0010169, OMIM 276901.

Allele frequency attached by ClinVar (database versions not stated): TOPMed below 0.00001.

Submissions (4):

Fulgent Genetics
Classification: Pathogenic for Usher syndrome type 2A; Retinitis pigmentosa 39. Last evaluated: 2024-04-22. Review status: criteria provided, single submitter. Criteria: ACMG Guidelines, 2015. Collection method: clinical testing. Allele origin: germline.

Blueprint Genetics
Classification: Pathogenic for USH2A-related disorders. Last evaluated: 2024-03-04. Review status: criteria provided, single submitter. Criteria: ACMG Guidelines, 2015. Collection method: clinical testing. Allele origin: germline. Affected: yes. Observed: 5 variant alleles.

Genome-Nilou Lab
Classification: Likely pathogenic for Retinitis pigmentosa 39. Last evaluated: 2023-11-04. Review status: criteria provided, single submitter. Criteria: ACMG Guidelines, 2015. Collection method: clinical testing. Allele origin: germline. Affected: no.

Labcorp Genetics (formerly Invitae), Labcorp
Classification: Pathogenic. Last evaluated: 2022-06-20. Review status: criteria provided, single submitter. Criteria: Invitae Variant Classification Sherloc (09022015). Collection method: clinical testing. Allele origin: germline.
Comment: For these reasons, this variant has been classified as Pathogenic. ClinVar contains an entry for this variant (Variation ID: 851480). This variant has not been reported in the literature in individuals affected with USH2A-related conditions. This variant is not present in population databases (gnomAD no frequency). This sequence change creates a premature translational stop signal (p.Gln4680*) in the USH2A gene. It is expected to result in an absent or disrupted protein product. Loss-of-function variants in USH2A are known to be pathogenic (PMID: 10729113, 10909849, 20507924, 25649381).

Literature cited by the submitters: PubMed 10729113 (cited by Labcorp Genetics (formerly Invitae), Labcorp); PubMed 10909849 (cited by Labcorp Genetics (formerly Invitae), Labcorp); PubMed 20507924 (cited by Labcorp Genetics (formerly Invitae), Labcorp); PubMed 25649381 (cited by Labcorp Genetics (formerly Invitae), Labcorp).